The following is an entry in ClinVar:

NM_015335.5(MED13L):c.5383C>G (p.Leu1795Val)

Gene: MED13L (mediator complex subunit 13L; minus strand). Cytogenetic location: 12q24.21.
Variant type: single nucleotide variant.
Coding change: c.5383C>G on transcript NM_015335.5 (MANE Select); coding-DNA position 5383, C replaced by G.
Protein change: p.Leu1795Val; replaces leucine 1795 with valine.
Molecular consequence: missense variant.
Genome position (GRCh38, 1-based): chr12:115,975,720, G>C on the plus strand (C>G on the coding strand, the complement: MED13L is on the minus strand). VCF-style: chr12-115975720-G-C. GRCh37 (hg19) VCF-style: chr12-116413525-G-C.
Other names: short protein forms L1795V.
Identifiers: ClinVar variation 930677 (VCV000930677.3), dbSNP rs750257495, ClinGen allele CA386879615.

ClinVar aggregate classification (germline): Uncertain significance (1 of 4 stars; one submission).

Conditions:
Cardiac anomalies - developmental delay - facial dysmorphism syndrome (MRFACD). Also called: MED13L Syndrome; Impaired intellectual development and distinctive facial features with or without cardiac defects. Identifiers: Orphanet 369891, MedGen C5192431, MONDO:0014773, OMIM 616789.

gnomAD v4.1: 3 of 1,613,876 alleles (0.00019%); highest among the groups gnomAD compares: Admixed American, 0.0017%; no homozygotes.

Submission:

Centre for Mendelian Genomics, University Medical Centre Ljubljana
Classification: Uncertain significance for Cardiac anomalies - developmental delay - facial dysmorphism syndrome. Last evaluated: 2020-01-29. Review status: criteria provided, single submitter. Criteria: ACMG Guidelines, 2015. Collection method: clinical testing. Allele origin: unknown. Affected: yes.
Comment: This variant was classified as: Uncertain significance. The available evidence on this variant's pathogenicity is insufficient or conflicting. The following ACMG criteria were applied in classifying this variant: PM2,PP3.